The following is an entry in ClinVar:

ClinVar aggregate classification (germline): Uncertain significance (1 of 4 stars; one submission).

Conditions:
Congenital disorder of glycosylation type 1E (CDG1E). Also called: CDG Ie; CONGENITAL DISORDER OF GLYCOSYLATION, TYPE Ie. Identifiers: Orphanet 79322, MedGen C1837396, MONDO:0012123, OMIM 608799.

Allele frequency attached by ClinVar (database versions not stated): gnomAD exomes below 0.00001.
gnomAD v4.1: 1 of 1,613,378 alleles (0.000062%); highest among the groups gnomAD compares: Non-Finnish European, 0.000085%; no homozygotes.

Submission:

Labcorp Genetics (formerly Invitae), Labcorp
Classification: Uncertain significance for Congenital disorder of glycosylation type 1E. Last evaluated: 2023-01-01. Review status: criteria provided, single submitter. Criteria: Invitae Variant Classification Sherloc (09022015). Collection method: clinical testing. Allele origin: germline.
Comment: This sequence change replaces histidine, which is basic and polar, with arginine, which is basic and polar, at codon 123 of the DPM1 protein (p.His123Arg). In summary, the available evidence is currently insufficient to determine the role of this variant in disease. Therefore, it has been classified as a Variant of Uncertain Significance. Algorithms developed to predict the effect of missense changes on protein structure and function are either unavailable or do not agree on the potential impact of this missense change (SIFT: "Deleterious"; PolyPhen-2: "Probably Damaging"; Align-GVGD: "Class C0"). This variant has not been reported in the literature in individuals affected with DPM1-related conditions. This variant is not present in population databases (gnomAD no frequency).

NM_003859.3(DPM1):c.368A>G (p.His123Arg)

Gene: DPM1 (dolichyl-phosphate mannosyltransferase subunit 1, catalytic; minus strand). Cytogenetic location: 20q13.13.
Variant type: single nucleotide variant.
Coding change: c.368A>G on transcript NM_003859.3 (MANE Select); coding-DNA position 368, A replaced by G.
Protein change: p.His123Arg; replaces histidine 123 with arginine.
Molecular consequence: missense variant. On other transcripts: non-coding transcript variant (1).
Genome position (GRCh38, 1-based): chr20:50,945,851, T>C on the plus strand (A>G on the coding strand, the complement: DPM1 is on the minus strand). VCF-style: chr20-50945851-T-C. GRCh37 (hg19) VCF-style: chr20-49562388-T-C.
Other names: c.368A>G, p.His123Arg (NM_001317034.1, NM_001317035.1, NM_001317036.1); short protein forms H123R.
Identifiers: ClinVar variation 2823859 (VCV002823859.3), dbSNP rs2515723640, ClinGen allele CA408989644.